The following is an entry in ClinVar:

ClinVar aggregate classification (germline): Pathogenic. Review status: criteria provided, multiple submitters, no conflicts (2 of 4 stars). 3 submissions from 3 submitters: Pathogenic (3). Last evaluated 2024-11-21.

Conditions:
Hereditary cancer-predisposing syndrome. Also called: Tumor predisposition; Hereditary neoplastic syndrome; Neoplastic Syndromes, Hereditary; Hereditary Cancer Syndrome. Identifiers: Orphanet 140162, MedGen C0027672, MeSH D009386, MONDO:0015356.
Familial adenomatous polyposis 4 (FAP4). Also called: MSH3-related attenuated familial adenomatous polyposis. Identifiers: Orphanet 480536, MedGen C4310719, MONDO:0044300, OMIM 617100.

Submissions (3):

Ambry Genetics
Classification: Pathogenic for Hereditary cancer-predisposing syndrome. Last evaluated: 2024-11-21. Review status: criteria provided, single submitter. Criteria: Ambry Variant Classification Scheme 2023. Collection method: clinical testing. Allele origin: germline.
Comment: The c.928delA pathogenic mutation, located in coding exon 6 of the MSH3 gene, results from a deletion of one nucleotide at nucleotide position 928, causing a translational frameshift with a predicted alternate stop codon (p.T310Lfs*6). This variant is considered to be rare based on population cohorts in the Genome Aggregation Database (gnomAD). This alteration is expected to result in loss of function by premature protein truncation or nonsense-mediated mRNA decay. As such, this alteration is interpreted as a disease-causing mutation.

Myriad Genetics, Inc.
Classification: Pathogenic for Familial adenomatous polyposis 4. Last evaluated: 2023-08-29. Review status: criteria provided, single submitter. Criteria: Myriad Autosomal Dominant, Autosomal Recessive and X-Linked Classification Criteria (2023). Collection method: clinical testing. Allele origin: unknown.
Comment: This variant is considered pathogenic. This variant creates a frameshift predicted to result in premature protein truncation.

Labcorp Genetics (formerly Invitae), Labcorp
Classification: Pathogenic. Last evaluated: 2023-04-15. Review status: criteria provided, single submitter. Criteria: Invitae Variant Classification Sherloc (09022015). Collection method: clinical testing. Allele origin: germline.
Comment: For these reasons, this variant has been classified as Pathogenic. ClinVar contains an entry for this variant (Variation ID: 844922). This variant has not been reported in the literature in individuals affected with MSH3-related conditions. This variant is not present in population databases (gnomAD no frequency). This sequence change creates a premature translational stop signal (p.Thr310Leufs*6) in the MSH3 gene. It is expected to result in an absent or disrupted protein product. Loss-of-function variants in MSH3 are known to be pathogenic (PMID: 27476653).

Literature cited by the submitters: PubMed 27476653 (cited by Labcorp Genetics (formerly Invitae), Labcorp).

NM_002439.5(MSH3):c.928del (p.Thr310fs)

Genes: MSH3 (mutS homolog 3; plus strand), LOC126807437 (MED14-independent group 3 enhancer GRCh37_chr5:79968379-79969578; plus strand). Cytogenetic location: 5q14.1.
Variant type: Deletion.
Coding change: c.928del on transcript NM_002439.5 (MANE Select); coding-DNA position 928, one base deleted (A; older notation c.928delA).
Protein change: p.Thr310fs; shifts the reading frame from threonine 310.
Molecular consequence: frameshift variant.
Genome position (GRCh38, 1-based): chr5:80,672,759, A deleted; the last of 3 consecutive A bases (chr5:80,672,757-80,672,759); deleting any one gives the same sequence. VCF-style (leftmost placement, unchanged base first): chr5-80672756-CA-C. GRCh37 (hg19) VCF-style: chr5-79968575-CA-C.
Other names: c.928delA (NM_002439.3); short protein forms T310fs.
Identifiers: ClinVar variation 844922 (VCV000844922.10), dbSNP rs1749751715, ClinGen allele CA916082721.